The following is an entry in ClinVar:

ClinVar aggregate classification (germline): Likely pathogenic (1 of 4 stars; one submission).

Conditions:
Inborn genetic diseases. Identifiers: MedGen C0950123, MeSH D030342.

Submission:

Ambry Genetics
Classification: Likely pathogenic for Inborn genetic diseases. Last evaluated: 2023-08-04. Review status: criteria provided, single submitter. Criteria: Ambry Variant Classification Scheme 2023. Collection method: clinical testing. Allele origin: germline.
Comment: The c.1358G>T (p.S453I) alteration is located in exon 9 (coding exon 8) of the CLCN3 gene. This alteration results from a G to T substitution at nucleotide position 1358, causing the serine (S) at amino acid position 453 to be replaced by an isoleucine (I). This variant was not reported in population-based cohorts in the Genome Aggregation Database (gnomAD). Another alteration at the same codon, c.1357A>C (p.S453R), has been determined to be the result of a de novo mutation in an individual with features consistent with CLCN3-related neurodevelopmental disorder (Duncan, 2021). This amino acid position is highly conserved in available vertebrate species. This alteration is predicted to be deleterious by in silico analysis. Based on the available evidence, this alteration is classified as likely pathogenic.

Literature cited by the submitters: PubMed 34186028.

NM_001829.4(CLCN3):c.1358G>T (p.Ser453Ile)

Gene: CLCN3 (chloride voltage-gated channel 3; plus strand). Cytogenetic location: 4q33.
Variant type: single nucleotide variant.
Coding change: c.1358G>T on transcript NM_001829.4 (MANE Select); coding-DNA position 1358, G replaced by T.
Protein change: p.Ser453Ile; replaces serine 453 with isoleucine.
Molecular consequence: missense variant.
Genome position (GRCh38, 1-based): chr4:169,697,529, G>T. VCF-style: chr4-169697529-G-T. GRCh37 (hg19) VCF-style: chr4-170618680-G-T.
Other names: c.1277G>T, p.Ser426Ile (NM_001243372.2, NM_001243374.2); c.1358G>T, p.Ser453Ile (NM_173872.4); short protein forms S426I, S453I.
Identifiers: ClinVar variation 986034 (VCV000986034.4), dbSNP rs1732611964, ClinGen allele CA358739791.